The following is an entry in ClinVar:

ClinVar aggregate classification (germline): Likely pathogenic. Review status: criteria provided, multiple submitters, no conflicts (2 of 4 stars). 2 submissions from 2 submitters: Likely pathogenic (2). Last evaluated 2024-10-31.

Conditions:
TTN-related disorder. Also called: TTN-related condition; TTN-related disease; TTN-related disorders.
Dilated cardiomyopathy 1G (CMD1G). Identifiers: Orphanet 154, MedGen C1858763, MONDO:0011400, OMIM 604145.
Autosomal recessive limb-girdle muscular dystrophy type 2J (LGMDR10). Also called: MUSCULAR DYSTROPHY, LIMB-GIRDLE, AUTOSOMAL RECESSIVE 10; Limb-girdle muscular dystrophy, type 2J. Identifiers: Orphanet 140922, MedGen C1837342, MONDO:0012127, OMIM 608807.

Submissions (2):

Blueprint Genetics
Classification: Likely pathogenic for TTN-related disorders. Last evaluated: 2024-10-31. Review status: criteria provided, single submitter. Criteria: ACMG Guidelines, 2015. Collection method: clinical testing. Allele origin: germline. Affected: yes. Observed: 1 variant allele.

Labcorp Genetics (formerly Invitae), Labcorp
Classification: Likely pathogenic for Dilated cardiomyopathy 1G; Autosomal recessive limb-girdle muscular dystrophy type 2J. Last evaluated: 2021-01-13. Review status: criteria provided, single submitter. Criteria: Invitae Variant Classification Sherloc (09022015). Collection method: clinical testing. Allele origin: germline.
Comment: This variant has not been reported in the literature in individuals with TTN-related conditions. This variant is not present in population databases (ExAC no frequency). This sequence change creates a premature translational stop signal (p.Leu32775Argfs*18) in the TTN gene. While this is not anticipated to result in nonsense mediated decay, it is expected to create a truncated TTN protein. This variant is located in the A band of TTN (PMID: 25589632). Truncating variants in this region are significantly overrepresented in patients affected with dilated cardiomyopathy (PMID: 25589632). Truncating variants in this region have also been reported in individuals affected with autosomal recessive centronuclear myopathy (PMID: 23975875). In summary, the currently available evidence indicates that the variant is pathogenic, but additional data are needed to prove that conclusively. Therefore, this variant has been classified as Likely Pathogenic.

Literature cited by the submitters: PubMed 25589632 (cited by Labcorp Genetics (formerly Invitae), Labcorp); PubMed 23975875 (cited by Labcorp Genetics (formerly Invitae), Labcorp).

NM_001267550.2(TTN):c.98324del (p.Leu32775fs)

Genes: TTN (titin; minus strand), TTN-AS1 (TTN antisense RNA 1; plus strand). Cytogenetic location: 2q31.2.
Variant type: Deletion.
Coding change: c.98324del on transcript NM_001267550.2 (MANE Select); coding-DNA position 98324, one base deleted (T; older notation c.98324delT).
Protein change: p.Leu32775fs; shifts the reading frame from leucine 32775.
Molecular consequence: frameshift variant. On other transcripts: non-coding transcript variant (1).
Genome position (GRCh38, 1-based): chr2:178,539,741, A deleted on the plus strand (T on the coding strand, the reverse complement: TTN is on the minus strand). VCF-style (leftmost placement, unchanged base first): chr2-178539740-CA-C. GRCh37 (hg19) VCF-style: chr2-179404467-CA-C.
Other names: c.93401del, p.Leu31134fs (NM_001256850.1); c.71129del, p.Leu23710fs (NM_003319.4); c.90620del, p.Leu30207fs (NM_133378.4); c.71504del, p.Leu23835fs (NM_133432.3); c.71705del, p.Leu23902fs (NM_133437.4); short protein forms L30207fs, L31134fs, L32775fs, L23835fs, L23710fs, L23902fs.
Identifiers: ClinVar variation 1476322 (VCV001476322.9), dbSNP rs2154140145, ClinGen allele CA2573134100.